The following is an entry in ClinVar:

NM_001849.4(COL6A2):c.2683A>C (p.Ser895Arg)

Gene: COL6A2 (collagen type VI alpha 2 chain; plus strand). Cytogenetic location: 21q22.3.
Variant type: single nucleotide variant.
Coding change: c.2683A>C on transcript NM_001849.4 (MANE Select); coding-DNA position 2683, A replaced by C.
Protein change: p.Ser895Arg; replaces serine 895 with arginine.
Molecular consequence: missense variant.
Genome position (GRCh38, 1-based): chr21:46,132,175, A>C. VCF-style: chr21-46132175-A-C. GRCh37 (hg19) VCF-style: chr21-47552089-A-C.
Other names: short protein forms S895R.
Identifiers: ClinVar variation 196119 (VCV000196119.67), dbSNP rs141233891, ClinGen allele CA242946.

ClinVar aggregate classification (germline): Benign/Likely benign. Review status: criteria provided, multiple submitters, no conflicts (2 of 4 stars). 6 submissions from 6 submitters: Benign (1); Likely benign (4). 1 of the submissions does not count toward it. Last evaluated 2026-05-01.

Conditions:
COL6A2-related disorder.
Collagen 6-related myopathy. Identifiers: MedGen CN117976, MONDO:0100225.
Bethlem myopathy 1A. Also called: MYOPATHY, BENIGN CONGENITAL, WITH CONTRACTURES; Bethlem myopathy 1; Bethlem Muscular Dystrophy. Identifiers: Orphanet 610, MedGen CN029274, MONDO:0024530, OMIM 158810.

Allele frequency attached by ClinVar (database versions not stated): 1000 Genomes Project 0.00080; 1000 Genomes Project 30x 0.00094; TOPMed 0.00108; gnomAD 0.00122 and 0.00126; gnomAD exomes 0.00128 and 0.00184; ESP Exome Variant Server 0.00132; ExAC 0.00223.
gnomAD v4.1: 2,783 of 1,572,704 alleles (0.18%); highest among the groups gnomAD compares: Non-Finnish European, 0.21%; 5 homozygotes.

Submissions (6):

CeGaT Center for Human Genetics Tuebingen
Classification: Likely benign. Last evaluated: 2026-05-01. Review status: criteria provided, single submitter. Criteria: CeGaT Center For Human Genetics Tuebingen Variant Classification Criteria Version 2. Collection method: clinical testing. Allele origin: germline. Affected: yes. Observed: 3 variant alleles.
Comment: COL6A2: BP4, BS1

Labcorp Genetics (formerly Invitae), Labcorp
Classification: Likely benign for Bethlem myopathy 1A. Last evaluated: 2026-01-27. Review status: criteria provided, single submitter. Criteria: Invitae Variant Classification Sherloc (09022015). Collection method: clinical testing. Allele origin: germline.

GeneDx
Classification: Likely benign. Last evaluated: 2020-09-30. Review status: criteria provided, single submitter. Criteria: GeneDx Variant Classification Process June 2021. Collection method: clinical testing. Allele origin: germline. Affected: yes.
Comment: This variant is associated with the following publications: (PMID: 24036952, 17886299)

Illumina Laboratory Services, Illumina
Classification: Benign for Collagen VI-related myopathy. Last evaluated: 2018-01-13. Review status: criteria provided, single submitter. Criteria: ICSL Variant Classification Criteria 13 December 2019. Collection method: clinical testing. Allele origin: germline.
Comment: This variant was observed in the ICSL laboratory as part of a predisposition screen in an ostensibly healthy population. It had not been previously curated by ICSL or reported in the Human Gene Mutation Database (HGMD: prior to June 1st, 2018), and was therefore a candidate for classification through an automated scoring system. Utilizing variant allele frequency, disease prevalence and penetrance estimates, and inheritance mode, an automated score was calculated to assess if this variant is too frequent to cause the disease. Based on the score and internal cut-off values, a variant classified as benign is not then subjected to further curation. The score for this variant resulted in a classification of benign for this disease.

Eurofins Ntd Llc (ga)
Classification: Likely benign. Last evaluated: 2015-11-06. Review status: criteria provided, single submitter. Criteria: EGL Classification Definitions 2015. Collection method: clinical testing. Allele origin: germline. Observed: 6 variant alleles, 6 heterozygotes.

PreventionGenetics, part of Exact Sciences
Classification: Likely benign for COL6A2-related condition. Last evaluated: 2022-10-12. Review status: no assertion criteria provided. Collection method: clinical testing. Allele origin: germline. Not counted in ClinVar's aggregate classification.
Comment: This variant is classified as likely benign based on ACMG/AMP sequence variant interpretation guidelines (Richards et al. 2015 PMID: 25741868, with internal and published modifications).

Literature cited by the submitters: PubMed 17886299 (cited by Eurofins Ntd Llc (ga)).